The following is an entry in ClinVar:

NM_000390.4(CHM):c.670G>A (p.Gly224Ser)

Gene: CHM (CHM Rab escort protein; minus strand). Cytogenetic location: Xq21.2.
Variant type: single nucleotide variant.
Coding change: c.670G>A on transcript NM_000390.4 (MANE Select); coding-DNA position 670, G replaced by A.
Protein change: p.Gly224Ser; replaces glycine 224 with serine.
Molecular consequence: missense variant.
Genome position (GRCh38, 1-based): chrX:85,963,697, C>T on the plus strand (G>A on the coding strand, the complement: CHM is on the minus strand). VCF-style: chrX-85963697-C-T. GRCh37 (hg19) VCF-style: chrX-85218702-C-T.
Other names: c.226G>A, p.Gly76Ser (NM_001320959.1, NM_001362517.1, NM_001362518.2 and 1 more transcripts); short protein forms G224S, G76S.
Identifiers: ClinVar variation 1026637 (VCV001026637.8), dbSNP rs1930411788, ClinGen allele CA413786352.
Genomic context (GRCh38, chrX:85,963,697, plus strand): 5'-TGCAAAGATGGGTAAAATTAGTACTTACCTTTGATACTAAATCAATATTAAATCTCCTGC[C>T]TTCTTTAATAATTTGTGAGTAAGTAATTCTGTTTTTCTTTGGTTGCTCTGTGGTATCTTC-3'
Protein context (NP_000381.1, residues 214-234): RITYSQIIKE[Gly224Ser]RRFNIDLVSK

ClinVar aggregate classification (germline): Uncertain significance (1 of 4 stars; one submission).

Submission:

Labcorp Genetics (formerly Invitae), Labcorp
Classification: Uncertain significance. Last evaluated: 2022-08-22. Review status: criteria provided, single submitter. Criteria: Invitae Variant Classification Sherloc (09022015). Collection method: clinical testing. Allele origin: germline.
Comment: This sequence change replaces glycine, which is neutral and non-polar, with serine, which is neutral and polar, at codon 224 of the CHM protein (p.Gly224Ser). In summary, the available evidence is currently insufficient to determine the role of this variant in disease. Therefore, it has been classified as a Variant of Uncertain Significance. Algorithms developed to predict the effect of missense changes on protein structure and function are either unavailable or do not agree on the potential impact of this missense change (SIFT: "Tolerated"; PolyPhen-2: "Probably Damaging"; Align-GVGD: "Class C0"). ClinVar contains an entry for this variant (Variation ID: 1026637). This variant has not been reported in the literature in individuals affected with CHM-related conditions. This variant is not present in population databases (gnomAD no frequency).